The following is an entry in ClinVar:

NM_000059.4(BRCA2):c.3180C>A (p.Ser1060Arg)

Gene: BRCA2 (BRCA2 DNA repair associated; plus strand). Cytogenetic location: 13q13.1.
Variant type: single nucleotide variant.
Coding change: c.3180C>A on transcript NM_000059.4 (MANE Select); coding-DNA position 3180, C replaced by A.
Protein change: p.Ser1060Arg; replaces serine 1060 with arginine.
Molecular consequence: missense variant.
Genome position (GRCh38, 1-based): chr13:32,337,535, C>A. VCF-style: chr13-32337535-C-A. GRCh37 (hg19) VCF-style: chr13-32911672-C-A.
Other names: short protein forms S1060R.
Identifiers: ClinVar variation 823101 (VCV000823101.6), dbSNP rs786203536, ClinGen allele CA387775825.

ClinVar aggregate classification (germline): Conflicting classifications of pathogenicity. Review status: criteria provided, conflicting classifications (1 of 4 stars). 2 submissions from 2 submitters: Uncertain significance (1); Likely benign (1). Last evaluated 2023-03-23.

Conditions:
Hereditary cancer-predisposing syndrome. Also called: Tumor predisposition; Hereditary Cancer Syndrome; Neoplastic Syndromes, Hereditary; Hereditary neoplastic syndrome. Identifiers: Orphanet 140162, MedGen C0027672, MeSH D009386, MONDO:0015356.

Submissions (2):

University of Washington Department of Laboratory Medicine, University of Washington
Classification: Likely benign for Hereditary cancer-predisposing syndrome. Last evaluated: 2023-03-23. Review status: criteria provided, single submitter. Criteria: Dines et al. (Genet Med. 2020). Collection method: curation. Allele origin: germline.
Comment: Missense variant in a coldspot region where missense variants are very unlikely to be pathogenic (PMID:31911673).

BRCA2 exon 11 coldspot. Reclassification based on statistical prior probability.

Ambry Genetics
Classification: Uncertain significance for Hereditary cancer-predisposing syndrome. Last evaluated: 2018-11-07. Review status: criteria provided, single submitter. Criteria: Ambry Variant Classification Scheme 2023. Collection method: clinical testing. Allele origin: germline.
Comment: The p.S1060R variant (also known as c.3180C>A), located in coding exon 10 of the BRCA2 gene, results from a C to A substitution at nucleotide position 3180. The serine at codon 1060 is replaced by arginine, an amino acid with dissimilar properties. This amino acid position is poorly conserved in available vertebrate species. In addition, this alteration is predicted to be tolerated by in silico analysis. Since supporting evidence is limited at this time, the clinical significance of this alteration remains unclear.